The following is an entry in ClinVar:

ClinVar aggregate classification (germline): Conflicting classifications of pathogenicity. Review status: criteria provided, conflicting classifications (1 of 4 stars). 3 submissions from 3 submitters: Uncertain significance (2); Benign (1). Last evaluated 2026-02-03.

Conditions:
Hereditary cancer-predisposing syndrome. Also called: Hereditary neoplastic syndrome; Neoplastic Syndromes, Hereditary; Tumor predisposition; Hereditary Cancer Syndrome. Identifiers: Orphanet 140162, MedGen C0027672, MeSH D009386, MONDO:0015356.
BAP1-related tumor predisposition syndrome (TPDS1). Also called: BAP1 tumor predisposition syndrome; Tumor susceptibility linked to germline BAP1 mutations; COMMON Syndrome; TUMOR PREDISPOSITION SYNDROME 1. Identifiers: Orphanet 289539, MedGen C3280492, MONDO:0013692, OMIM 614327.

Allele frequency attached by ClinVar (database versions not stated): gnomAD exomes below 0.00001; gnomAD 0.00001; TOPMed 0.00001; ExAC 0.00002.
gnomAD v4.1: 2 of 1,613,944 alleles (0.00012%); highest among the groups gnomAD compares: African/African-American, 0.0027%; no homozygotes.

Submissions (3):

Labcorp Genetics (formerly Invitae), Labcorp
Classification: Uncertain significance for BAP1-related tumor predisposition syndrome. Last evaluated: 2026-02-03. Review status: criteria provided, single submitter. Criteria: Invitae Variant Classification Sherloc (09022015). Collection method: clinical testing. Allele origin: germline.
Comment: This sequence change replaces threonine, which is neutral and polar, with isoleucine, which is neutral and non-polar, at codon 480 of the BAP1 protein (p.Thr480Ile). This variant is present in population databases (rs752302472, gnomAD 0.01%). This variant has not been reported in the literature in individuals affected with BAP1-related conditions. ClinVar contains an entry for this variant (Variation ID: 835982). Invitae Evidence Modeling of protein sequence and biophysical properties (such as structural, functional, and spatial information, amino acid conservation, physicochemical variation, residue mobility, and thermodynamic stability) indicates that this missense variant is not expected to disrupt BAP1 protein function with a negative predictive value of 80%. In summary, the available evidence is currently insufficient to determine the role of this variant in disease. Therefore, it has been classified as a Variant of Uncertain Significance.

Ambry Genetics
Classification: Benign for Hereditary cancer-predisposing syndrome. Last evaluated: 2025-09-25. Review status: criteria provided, single submitter. Criteria: Ambry Variant Classification Scheme 2023. Collection method: clinical testing. Allele origin: germline.

GeneDx
Classification: Uncertain significance. Last evaluated: 2021-04-28. Review status: criteria provided, single submitter. Criteria: GeneDx Variant Classification Process June 2021. Collection method: clinical testing. Allele origin: germline. Affected: yes.
Comment: Not observed at a significant frequency in large population cohorts (Lek et al., 2016); In silico analysis supports that this missense variant does not alter protein structure/function; Has not been previously published as pathogenic or benign to our knowledge

Literature cited by the submitters: PubMed 38969833 (cited by Ambry Genetics).

NM_004656.4(BAP1):c.1439C>T (p.Thr480Ile)

Gene: BAP1 (BRCA1 associated deubiquitinase 1; minus strand). Cytogenetic location: 3p21.1.
Variant type: single nucleotide variant.
Coding change: c.1439C>T on transcript NM_004656.4 (MANE Select); coding-DNA position 1439, C replaced by T.
Protein change: p.Thr480Ile; replaces threonine 480 with isoleucine.
Molecular consequence: missense variant.
Genome position (GRCh38, 1-based): chr3:52,403,706, G>A on the plus strand (C>T on the coding strand, the complement: BAP1 is on the minus strand). VCF-style: chr3-52403706-G-A. GRCh37 (hg19) VCF-style: chr3-52437722-G-A.
Other names: c.1439C>T (NM_004656.2); short protein forms T480I.
Identifiers: ClinVar variation 835982 (VCV000835982.11), dbSNP rs752302472, ClinGen allele CA2436802.